The following is an entry in ClinVar:

NM_000535.7(PMS2):c.163+36T>C

Gene: PMS2 (PMS1 homolog 2, mismatch repair system component; minus strand). Cytogenetic location: 7p22.1.
Variant type: single nucleotide variant.
Coding change: c.163+36T>C on transcript NM_000535.7 (MANE Select); 36 bases into the intron after coding-DNA position 163, T replaced by C.
Molecular consequence: intron variant.
Genome position (GRCh38, 1-based): chr7:6,005,856, A>G on the plus strand (T>C on the coding strand, the complement: PMS2 is on the minus strand). VCF-style: chr7-6005856-A-G. GRCh37 (hg19) VCF-style: chr7-6045487-A-G.
Other names: c.-52-1798T>C (NM_001322008.2); c.-218-1798T>C (NM_001406881.1); c.-189-1798T>C (NM_001406895.1); c.-242-1798T>C (NM_001406911.1, NM_001322010.2, NM_001322004.2); c.-321-1798T>C (NM_001406879.1); c.-53+36T>C (NM_001406902.1, NM_001406883.1, NM_001406896.1 and 4 more transcripts); c.-190+36T>C (NM_001406904.1, NM_001406889.1, NM_001406909.1 and 5 more transcripts); c.-243+36T>C (NM_001322013.2, NM_001406905.1, NM_001406906.1 and 10 more transcripts); and 7 more.
Identifiers: ClinVar variation 4539226 (VCV004539226.1).
Genomic context (GRCh38, chr7:6,005,856, plus strand): 5'-TCAACACTTGATAGTCTTATTTCAATAACAAATGTTTCTTAACTACAACAACATTCACAG[A>G]TCATTTCTTGTGGCTTAAAACTCTCCCAAACTTACCAATATTAGTGGCACCAGCATCCAG-3'

ClinVar aggregate classification (germline): Likely benign (1 of 4 stars; one submission).

Submission:

Center for Genomic Medicine, Rigshospitalet, Copenhagen University Hospital
Classification: Likely benign. Last evaluated: 2025-12-29. Review status: criteria provided, single submitter. Criteria: ACMG Guidelines, 2015. Collection method: clinical testing. Allele origin: germline.
Comment: Classification criteria: BP4, BP7